The following is an entry in ClinVar:

ClinVar aggregate classification (germline): Uncertain significance (1 of 4 stars; one submission).

Conditions:
Epilepsy, childhood absence, susceptibility to, 5. Identifiers: Orphanet 64280, MedGen C2677087, MONDO:0012843, OMIM 612269.
Epilepsy, childhood absence, susceptibility to, 1. Also called: Epilepsy, childhood absence 1. Identifiers: Orphanet 64280, MedGen C1838604, MONDO:0020759, OMIM 600131.

gnomAD v4.1: 1 of 1,614,138 alleles (0.000062%); highest among the groups gnomAD compares: South Asian, 0.0011%; no homozygotes.

Submission:

Labcorp Genetics (formerly Invitae), Labcorp
Classification: Uncertain significance for Epilepsy, childhood absence, susceptibility to, 5; Epilepsy, childhood absence, susceptibility to, 1. Last evaluated: 2025-10-27. Review status: criteria provided, single submitter. Criteria: Invitae Variant Classification Sherloc (09022015). Collection method: clinical testing. Allele origin: germline.
Comment: This sequence change replaces glycine, which is neutral and non-polar, with valine, which is neutral and non-polar, at codon 384 of the GABRB3 protein (p.Gly384Val). This variant is not present in population databases (gnomAD no frequency). This variant has not been reported in the literature in individuals affected with GABRB3-related conditions. ClinVar contains an entry for this variant (Variation ID: 1995322). Invitae Evidence Modeling of protein sequence and biophysical properties (such as structural, functional, and spatial information, amino acid conservation, physicochemical variation, residue mobility, and thermodynamic stability) has been performed for this missense variant. However, the output from this modeling did not meet the statistical confidence thresholds required to predict the impact of this variant on GABRB3 protein function. In summary, the available evidence is currently insufficient to determine the role of this variant in disease. Therefore, it has been classified as a Variant of Uncertain Significance.

NM_000814.6(GABRB3):c.1151G>T (p.Gly384Val)

Gene: GABRB3 (gamma-aminobutyric acid type A receptor subunit beta3; minus strand). Cytogenetic location: 15q12.
Variant type: single nucleotide variant.
Coding change: c.1151G>T on transcript NM_000814.6 (MANE Select); coding-DNA position 1151, G replaced by T.
Protein change: p.Gly384Val; replaces glycine 384 with valine.
Molecular consequence: missense variant.
Genome position (GRCh38, 1-based): chr15:26,548,064, C>A on the plus strand (G>T on the coding strand, the complement: GABRB3 is on the minus strand). VCF-style: chr15-26548064-C-A. GRCh37 (hg19) VCF-style: chr15-26793211-C-A.
Other names: c.896G>T, p.Gly299Val (NM_001191320.2, NM_001278631.2); c.938G>T, p.Gly313Val (NM_001191321.3); c.1151G>T, p.Gly384Val (NM_021912.5); short protein forms G384V, G299V, G313V.
Identifiers: ClinVar variation 1995322 (VCV001995322.4), dbSNP rs2140645774, ClinGen allele CA391459245.